The following is an entry in ClinVar:

NM_001854.4(COL11A1):c.1969A>T (p.Arg657Trp)

Gene: COL11A1 (collagen type XI alpha 1 chain; minus strand). Cytogenetic location: 1p21.1.
Variant type: single nucleotide variant.
Coding change: c.1969A>T on transcript NM_001854.4 (MANE Select); coding-DNA position 1969, A replaced by T.
Protein change: p.Arg657Trp; replaces arginine 657 with tryptophan.
Molecular consequence: missense variant. On other transcripts: non-coding transcript variant (1).
Genome position (GRCh38, 1-based): chr1:103,003,244, T>A on the plus strand (A>T on the coding strand, the complement: COL11A1 is on the minus strand). VCF-style: chr1-103003244-T-A. GRCh37 (hg19) VCF-style: chr1-103468800-T-A.
Other names: c.1852A>T, p.Arg618Trp (NM_001190709.2); c.2005A>T, p.Arg669Trp (NM_080629.3); c.1621A>T, p.Arg541Trp (NM_080630.4); short protein forms R541W, R618W, R657W, R669W.
Identifiers: ClinVar variation 5043358 (VCV005043358.1).

ClinVar aggregate classification (germline): Uncertain significance (1 of 4 stars; one submission).

Conditions:
Fetal anomalies with a likely genetic cause.

gnomAD v4.1: 2 of 1,613,518 alleles (0.00012%); highest among the groups gnomAD compares: Non-Finnish European, 0.00017%; no homozygotes.

Submission:

Genetics Laboratory, Great Ormond Street Hospital NHS Foundation Trust, North Thames Genomic Laboratory Hub
Classification: Uncertain significance for Fetal anomalies with a likely genetic cause. Last evaluated: 2026-09-18. Review status: criteria provided, single submitter. Criteria: ACGS Best Practice Guidelines for Variant Classification in Rare Disease 2024 v1.2. Collection method: clinical testing. Allele origin: germline. Affected: yes.
Comment: PM2_moderate, PP3_supporting, PP2_supporting